The following is an entry in ClinVar:

ClinVar aggregate classification (germline): Uncertain significance. Review status: criteria provided, multiple submitters, no conflicts (2 of 4 stars). 2 submissions from 2 submitters: Uncertain significance (2). Last evaluated 2025-06-08.

Conditions:
Inborn genetic diseases. Identifiers: MedGen C0950123, MeSH D030342.

Submissions (2):

Labcorp Genetics (formerly Invitae), Labcorp
Classification: Uncertain significance. Last evaluated: 2025-06-08. Review status: criteria provided, single submitter. Criteria: Invitae Variant Classification Sherloc (09022015). Collection method: clinical testing. Allele origin: germline.
Comment: This sequence change replaces methionine, which is neutral and non-polar, with valine, which is neutral and non-polar, at codon 190 of the MBD4 protein (p.Met190Val). This variant is present in population databases (rs140265312, gnomAD 0.0009%). This variant has not been reported in the literature in individuals affected with MBD4-related conditions. ClinVar contains an entry for this variant (Variation ID: 3699454). An algorithm developed to predict the effect of missense changes on protein structure and function (PolyPhen-2) suggests that this variant is likely to be tolerated. In summary, the available evidence is currently insufficient to determine the role of this variant in disease. Therefore, it has been classified as a Variant of Uncertain Significance.

Ambry Genetics
Classification: Uncertain significance for Inborn genetic diseases. Last evaluated: 2025-01-22. Review status: criteria provided, single submitter. Criteria: Ambry Variant Classification Scheme 2023. Collection method: clinical testing. Allele origin: germline.
Comment: The p.M190V variant (also known as c.568A>G), located in coding exon 3 of the MBD4 gene, results from an A to G substitution at nucleotide position 568. The methionine at codon 190 is replaced by valine, an amino acid with highly similar properties. This amino acid position is conserved. In addition, this alteration is predicted to be tolerated by in silico analysis. Based on the available evidence, the clinical significance of this variant remains unclear.

NM_001276270.2(MBD4):c.568A>G (p.Met190Val)

Gene: MBD4 (methyl-CpG binding domain 4, DNA glycosylase; minus strand). Cytogenetic location: 3q21.3.
Variant type: single nucleotide variant.
Coding change: c.568A>G on transcript NM_001276270.2 (MANE Select); coding-DNA position 568, A replaced by G.
Protein change: p.Met190Val; replaces methionine 190 with valine.
Molecular consequence: missense variant. On other transcripts: intron variant (1).
Genome position (GRCh38, 1-based): chr3:129,437,076, T>C on the plus strand (A>G on the coding strand, the complement: MBD4 is on the minus strand). VCF-style: chr3-129437076-T-C. GRCh37 (hg19) VCF-style: chr3-129155919-T-C.
Other names: c.568A>G, p.Met190Val (NM_001276271.2, NM_001276272.2, NM_003925.3); c.247+732A>G (NM_001276273.2); short protein forms M190V.
Identifiers: ClinVar variation 3699454 (VCV003699454.3).